The following is an entry in ClinVar:

ClinVar aggregate classification (germline): Conflicting classifications of pathogenicity. Review status: criteria provided, conflicting classifications (1 of 4 stars). 12 submissions from 12 submitters: Uncertain significance (1); Likely benign (9). 2 of the submissions do not count toward it. Last evaluated 2026-09-01.

Conditions:
RYR1-related disorder. Also called: RYR1-related disorders; RYR1-related condition. Identifiers: MedGen CN239331.
Malignant hyperthermia, susceptibility to, 1 (MHS1). Also called: Malignant hyperthermia suceptibility 1; Anesthesia related hyperthermia; Malignant hyperpyrexia; Fulminating hyperpyrexia; Pharmacogenic myopathy; RYR1-Related Malignant Hyperthermia Susceptibility. Identifiers: Orphanet 423, MedGen C2930980, MONDO:0007783, OMIM 145600.

Allele frequency attached by ClinVar (database versions not stated): ESP Exome Variant Server 0.00023; gnomAD exomes 0.00050 and 0.00068; ExAC 0.00051; TOPMed 0.00062; gnomAD 0.00068 and 0.00073.
gnomAD v4.1: 1,071 of 1,613,312 alleles (0.066%); highest among the groups gnomAD compares: Admixed American, 0.14%; 2 homozygotes.

Submissions (12):

CeGaT Center for Human Genetics Tuebingen
Classification: Likely benign. Last evaluated: 2026-09-01. Review status: criteria provided, single submitter. Criteria: CeGaT Center For Human Genetics Tuebingen Variant Classification Criteria Version 2. Collection method: clinical testing. Allele origin: germline. Affected: yes. Observed: 7 variant alleles.
Comment: RYR1: BP4, BP7

Labcorp Genetics (formerly Invitae), Labcorp
Classification: Likely benign for RYR1-related disorder. Last evaluated: 2026-01-28. Review status: criteria provided, single submitter. Criteria: Invitae Variant Classification Sherloc (09022015). Collection method: clinical testing. Allele origin: germline.

Women's Health and Genetics/Laboratory Corporation of America, LabCorp
Classification: Likely benign. Last evaluated: 2024-12-16. Review status: criteria provided, single submitter. Criteria: LabCorp Variant Classification Summary - May 2015. Collection method: clinical testing. Allele origin: germline.

Blueprint Genetics
Classification: Likely benign. Last evaluated: 2024-11-21. Review status: criteria provided, single submitter. Criteria: ACMG Guidelines, 2015. Collection method: clinical testing. Allele origin: germline.

ARUP Laboratories, Molecular Genetics and Genomics, ARUP Laboratories
Classification: Likely benign. Last evaluated: 2024-02-07. Review status: criteria provided, single submitter. Criteria: ARUP Molecular Germline Variant Investigation Process 2024. Collection method: clinical testing. Allele origin: germline.

All of Us Research Program, National Institutes of Health
Classification: Likely benign for Malignant hyperthermia, susceptibility to, 1. Last evaluated: 2024-01-11. Review status: criteria provided, single submitter. Criteria: ACMG Guidelines, 2015. Collection method: clinical testing. Allele origin: germline. Inheritance: Autosomal dominant inheritance. Observed: 144 variant alleles, 144 heterozygotes.
Comment: This study involves interpretation of variants in research participants for the purpose of population health screening. Participant phenotype was not available at the time of variant classification. Additional details can be found in publication PMID: 35346344, PMCID: PMC8962531

Color Diagnostics, LLC DBA Color Health
Classification: Likely benign for Malignant hyperthermia, susceptibility to, 1. Last evaluated: 2022-11-06. Review status: criteria provided, single submitter. Criteria: ACMG Guidelines, 2015. Collection method: clinical testing. Allele origin: germline.

GeneDx
Classification: Likely benign. Last evaluated: 2021-11-11. Review status: criteria provided, single submitter. Criteria: GeneDx Variant Classification Process June 2021. Collection method: clinical testing. Allele origin: germline. Affected: yes.

Eurofins Ntd Llc (ga)
Classification: Uncertain significance. Last evaluated: 2014-11-17. Review status: criteria provided, single submitter. Criteria: EGL Classification Definitions 2015. Collection method: clinical testing. Allele origin: germline. Observed: 2 variant alleles, 2 heterozygotes.

PreventionGenetics, part of Exact Sciences
Classification: Likely benign. Review status: criteria provided, single submitter. Criteria: ACMG Guidelines, 2015. Collection method: clinical testing. Allele origin: germline.

Clinical Genetics DNA and cytogenetics Diagnostics Lab, Erasmus MC, Erasmus Medical Center
Classification: Likely benign. Review status: no assertion criteria provided. Collection method: clinical testing. Allele origin: germline. Affected: yes. Study: VKGL Data-share Consensus. Not counted in ClinVar's aggregate classification.

Joint Genome Diagnostic Labs from Nijmegen and Maastricht, Radboudumc and MUMC+
Classification: Likely benign. Review status: no assertion criteria provided. Collection method: clinical testing. Allele origin: germline. Affected: yes. Study: VKGL Data-share Consensus. Not counted in ClinVar's aggregate classification.

NM_000540.3(RYR1):c.5364T>G (p.Ala1788=)

Gene: RYR1 (ryanodine receptor 1; plus strand). Cytogenetic location: 19q13.2.
Variant type: single nucleotide variant.
Coding change: c.5364T>G on transcript NM_000540.3 (MANE Select); coding-DNA position 5364, T replaced by G.
Protein change: p.Ala1788=; no amino-acid change (alanine 1788 retained).
Molecular consequence: synonymous variant.
Genome position (GRCh38, 1-based): chr19:38,486,019, T>G. VCF-style: chr19-38486019-T-G. GRCh37 (hg19) VCF-style: chr19-38976659-T-G.
Other names: c.5364T>G, p.Ala1788= (NM_001042723.2).
Identifiers: ClinVar variation 196882 (VCV000196882.63), dbSNP rs200950362, ClinGen allele CA024516.